The following is an entry in ClinVar:

NM_000143.4(FH):c.379G>A (p.Val127Ile)

Gene: FH (fumarate hydratase; minus strand). Cytogenetic location: 1q43.
Variant type: single nucleotide variant.
Coding change: c.379G>A on transcript NM_000143.4 (MANE Select); coding-DNA position 379, G replaced by A.
Protein change: p.Val127Ile; replaces valine 127 with isoleucine.
Molecular consequence: missense variant.
Genome position (GRCh38, 1-based): chr1:241,512,143, C>T on the plus strand (G>A on the coding strand, the complement: FH is on the minus strand). VCF-style: chr1-241512143-C-T. GRCh37 (hg19) VCF-style: chr1-241675443-C-T.
Other names: short protein forms V127I.
Identifiers: ClinVar variation 2070913 (VCV002070913.4), dbSNP rs878853693, ClinGen allele CA345440234.

ClinVar aggregate classification (germline): Uncertain significance (1 of 4 stars; one submission).

Submission:

Labcorp Genetics (formerly Invitae), Labcorp
Classification: Uncertain significance. Last evaluated: 2023-03-11. Review status: criteria provided, single submitter. Criteria: Invitae Variant Classification Sherloc (09022015). Collection method: clinical testing. Allele origin: germline.
Comment: Algorithms developed to predict the effect of sequence changes on RNA splicing suggest that this variant may create or strengthen a splice site. This sequence change replaces valine, which is neutral and non-polar, with isoleucine, which is neutral and non-polar, at codon 127 of the FH protein (p.Val127Ile). This variant is not present in population databases (gnomAD no frequency). This variant has not been reported in the literature in individuals affected with FH-related conditions. ClinVar contains an entry for this variant (Variation ID: 2070913). An algorithm developed to predict the effect of missense changes on protein structure and function (PolyPhen-2) suggests that this variant is likely to be tolerated. In summary, the available evidence is currently insufficient to determine the role of this variant in disease. Therefore, it has been classified as a Variant of Uncertain Significance.